The following is an entry in ClinVar:

NM_016169.4(SUFU):c.531G>C (p.Met177Ile)

Gene: SUFU (SUFU negative regulator of hedgehog signaling; plus strand). Cytogenetic location: 10q24.32.
Variant type: single nucleotide variant.
Coding change: c.531G>C on transcript NM_016169.4 (MANE Select); coding-DNA position 531, G replaced by C.
Protein change: p.Met177Ile; replaces methionine 177 with isoleucine.
Molecular consequence: missense variant.
Genome position (GRCh38, 1-based): chr10:102,592,658, G>C. VCF-style: chr10-102592658-G-C. GRCh37 (hg19) VCF-style: chr10-104352415-G-C.
Other names: c.531G>C, p.Met177Ile (NM_001178133.2); short protein forms M177I.
Identifiers: ClinVar variation 2951376 (VCV002951376.3), dbSNP rs2135866942, ClinGen allele CA377908407.

ClinVar aggregate classification (germline): Uncertain significance (1 of 4 stars; one submission).

Conditions:
Medulloblastoma (MDB). Also called: MEDULLOBLASTOMA PREDISPOSITION SYNDROME; Medulloblastoma, somatic. Identifiers: Orphanet 616, MedGen C0025149, MeSH D008527, MONDO:0007959, OMIM 155255, HP:0002885.
Gorlin syndrome. Also called: Nevoid Basal Cell Carcinoma Syndrome; Basal cell nevus syndrome. Identifiers: Orphanet 377, MedGen C0004779, MONDO:0007187.

Submission:

Labcorp Genetics (formerly Invitae), Labcorp
Classification: Uncertain significance for Gorlin syndrome; Medulloblastoma. Last evaluated: 2023-08-28. Review status: criteria provided, single submitter. Criteria: Invitae Variant Classification Sherloc (09022015). Collection method: clinical testing. Allele origin: germline.
Comment: In summary, the available evidence is currently insufficient to determine the role of this variant in disease. Therefore, it has been classified as a Variant of Uncertain Significance. Advanced modeling of protein sequence and biophysical properties (such as structural, functional, and spatial information, amino acid conservation, physicochemical variation, residue mobility, and thermodynamic stability) performed at Invitae indicates that this missense variant is not expected to disrupt SUFU protein function. This variant has not been reported in the literature in individuals affected with SUFU-related conditions. This variant is not present in population databases (gnomAD no frequency). This sequence change replaces methionine, which is neutral and non-polar, with isoleucine, which is neutral and non-polar, at codon 177 of the SUFU protein (p.Met177Ile).